The following is an entry in ClinVar:

NM_002470.4(MYH3):c.593C>T (p.Thr198Ile)

Gene: MYH3 (myosin heavy chain 3; minus strand). Cytogenetic location: 17p13.1.
Variant type: single nucleotide variant.
Coding change: c.593C>T on transcript NM_002470.4 (MANE Select); coding-DNA position 593, C replaced by T.
Protein change: p.Thr198Ile; replaces threonine 198 with isoleucine.
Molecular consequence: missense variant.
Genome position (GRCh38, 1-based): chr17:10,649,626, G>A on the plus strand (C>T on the coding strand, the complement: MYH3 is on the minus strand). VCF-style: chr17-10649626-G-A. GRCh37 (hg19) VCF-style: chr17-10552943-G-A.
Other names: short protein forms T198I.
Identifiers: ClinVar variation 1161423 (VCV001161423.10), dbSNP rs750773513, ClinGen allele CA8393217.

ClinVar aggregate classification (germline): Conflicting classifications of pathogenicity. Review status: criteria provided, conflicting classifications (1 of 4 stars). 2 submissions from 2 submitters: Uncertain significance (1); Likely benign (1). Last evaluated 2025-06-01.

Allele frequency attached by ClinVar (database versions not stated): TOPMed 0.00002; gnomAD 0.00003; gnomAD exomes 0.00005; ExAC 0.00007.
gnomAD v4.1: 82 of 1,614,092 alleles (0.0051%); highest among the groups gnomAD compares: Non-Finnish European, 0.0064%; no homozygotes.

Submissions (2):

Labcorp Genetics (formerly Invitae), Labcorp
Classification: Likely benign. Last evaluated: 2025-06-01. Review status: criteria provided, single submitter. Criteria: Invitae Variant Classification Sherloc (09022015). Collection method: clinical testing. Allele origin: germline.

GeneDx
Classification: Uncertain significance. Last evaluated: 2022-01-06. Review status: criteria provided, single submitter. Criteria: GeneDx Variant Classification Process June 2021. Collection method: clinical testing. Allele origin: germline. Affected: yes.
Comment: In silico analysis supports that this missense variant does not alter protein structure/function; Has not been previously published as pathogenic or benign to our knowledge